The following is an entry in ClinVar:

ClinVar aggregate classification (germline): Uncertain significance (1 of 4 stars; one submission).

Conditions:
Inborn genetic diseases. Identifiers: MedGen C0950123, MeSH D030342.

Allele frequency attached by ClinVar (database versions not stated): gnomAD exomes below 0.00001.
gnomAD v4.1: 3 of 1,613,620 alleles (0.00019%); highest among the groups gnomAD compares: African/African-American, 0.004%; no homozygotes.

Submission:

Ambry Genetics
Classification: Uncertain significance for Inborn genetic diseases. Last evaluated: 2022-05-26. Review status: criteria provided, single submitter. Criteria: Ambry Variant Classification Scheme 2023. Collection method: clinical testing. Allele origin: germline.
Comment: The p.K1138E variant (also known as c.3412A>G), located in coding exon 25 of the LRRK2 gene, results from an A to G substitution at nucleotide position 3412. The lysine at codon 1138 is replaced by glutamic acid, an amino acid with similar properties. This amino acid position is conserved. In addition, the in silico prediction for this alteration is inconclusive. Since supporting evidence is limited at this time, the clinical significance of this alteration remains unclear.

NM_198578.4(LRRK2):c.3412A>G (p.Lys1138Glu)

Gene: LRRK2 (leucine rich repeat kinase 2; plus strand). Cytogenetic location: 12q12.
Variant type: single nucleotide variant.
Coding change: c.3412A>G on transcript NM_198578.4 (MANE Select); coding-DNA position 3412, A replaced by G.
Protein change: p.Lys1138Glu; replaces lysine 1138 with glutamic acid.
Molecular consequence: missense variant.
Genome position (GRCh38, 1-based): chr12:40,299,173, A>G. VCF-style: chr12-40299173-A-G. GRCh37 (hg19) VCF-style: chr12-40692975-A-G.
Other names: short protein forms K1138E.
Identifiers: ClinVar variation 1731183 (VCV001731183.2), dbSNP rs868622770, ClinGen allele CA235349400.